The following is an entry in ClinVar:

NM_002764.4(PRPS1):c.293A>T (p.Asp98Val)

Gene: PRPS1 (phosphoribosyl pyrophosphate synthetase 1; plus strand). Cytogenetic location: Xq22.3.
Variant type: single nucleotide variant.
Coding change: c.293A>T on transcript NM_002764.4 (MANE Select); coding-DNA position 293, A replaced by T.
Protein change: p.Asp98Val; replaces aspartic acid 98 with valine.
Molecular consequence: missense variant. On other transcripts: intron variant (1).
Genome position (GRCh38, 1-based): chrX:107,639,465, A>T. VCF-style: chrX-107639465-A-T. GRCh37 (hg19) VCF-style: chrX-106882695-A-T.
Other names: c.-82-5712A>T (NM_001204402.2); short protein forms D98V.
Identifiers: ClinVar variation 3639151 (VCV003639151.2).
Genomic context (GRCh38, chrX:107,639,465, plus strand): 5'-AGATTGCTTCAGCCAGCCGGGTTACTGCAGTCATCCCATGCTTCCCTTATGCCCGGCAGG[A>T]TAAGAAAGATAAGGTAGGAGCAGAATTTTATTTTTTGAGCAGAGGAAGCAGGAGCACTTG-3'
Protein context (NP_002755.1, residues 88-108): VIPCFPYARQ[Asp98Val]KKDKSRAPIS

ClinVar aggregate classification (germline): Uncertain significance (1 of 4 stars; one submission).

Conditions:
Charcot-Marie-Tooth Neuropathy X. Identifiers: MedGen CN118851.

Submission:

Labcorp Genetics (formerly Invitae), Labcorp
Classification: Uncertain significance for Charcot-Marie-Tooth Neuropathy X. Last evaluated: 2024-03-22. Review status: criteria provided, single submitter. Criteria: Invitae Variant Classification Sherloc (09022015). Collection method: clinical testing. Allele origin: germline.
Comment: This sequence change replaces aspartic acid, which is acidic and polar, with valine, which is neutral and non-polar, at codon 98 of the PRPS1 protein (p.Asp98Val). This variant is not present in population databases (gnomAD no frequency). This variant has not been reported in the literature in individuals affected with PRPS1-related conditions. Advanced modeling of protein sequence and biophysical properties (such as structural, functional, and spatial information, amino acid conservation, physicochemical variation, residue mobility, and thermodynamic stability) performed at Invitae indicates that this missense variant is not expected to disrupt PRPS1 protein function with a negative predictive value of 80%. In summary, the available evidence is currently insufficient to determine the role of this variant in disease. Therefore, it has been classified as a Variant of Uncertain Significance.